The following is an entry in ClinVar:

ClinVar aggregate classification (germline): Pathogenic. Review status: criteria provided, single submitter (1 of 4 stars). 2 submissions from 2 submitters: Pathogenic (1). 1 of the submissions does not count toward it. Last evaluated 2018-10-24.

Conditions:
Lymphatic malformation 9. Identifiers: MedGen C5543365, MONDO:0030270, OMIM 619319.
Lymphatic malformation (LM). Identifiers: MedGen C0398368, MONDO:0019313. Disease mechanism: gain of function.

Submissions (2):

MAGI'S LAB - Medical Genetics Laboratory, MAGI GROUP
Classification: Pathogenic for Hereditary lymphedema. Last evaluated: 2018-10-24. Review status: criteria provided, single submitter. Criteria: ACMG Guidelines, 2015. Collection method: clinical testing. Allele origin: maternal. Inheritance: Autosomal dominant inheritance. Affected: yes. Observed: 1 heterozygote.
Comment: The variant was inherited by her affected mother that showed lymphedema of both lower limbs. The loss of function variant falls in a canonical + 1 splice site and can be considered a private variant since it is not listed in any of the public database questioned. In summary, the c.6739+1G>A variant meets the criteria of the American College of Medical Genetics and Genomics guidelines (Richards et al., 2015) to be classified as pathogenic based upon type of variation, segregation study and absence from controls.

OMIM
Classification: Pathogenic for LYMPHATIC MALFORMATION 9. Last evaluated: 2021-05-14. Review status: no assertion criteria provided. Collection method: literature only. Allele origin: germline. Not counted in ClinVar's aggregate classification.

Literature cited by the submitters: PubMed 31215153 (cited by OMIM).

NM_001378328.1(CELSR1):c.6739+1G>A

Genes: CELSR1 (cadherin EGF LAG seven-pass G-type receptor 1; minus strand), LOC126863169 (BRD4-independent group 4 enhancer GRCh37_chr22:46782038-46783237; plus strand). Cytogenetic location: 22q13.31.
Variant type: single nucleotide variant.
Coding change: c.6739+1G>A on transcript NM_001378328.1 (MANE Select); the canonical splice donor site of the intron after coding-DNA position 6739, G replaced by A.
Molecular consequence: splice donor variant.
Genome position (GRCh38, 1-based): chr22:46,386,401, C>T on the plus strand (G>A on the coding strand, the complement: CELSR1 is on the minus strand). VCF-style: chr22-46386401-C-T. GRCh37 (hg19) VCF-style: chr22-46782298-C-T.
Other names: IVSDS, G-A, +1; c.6739+1G>A (NM_014246.4).
Identifiers: ClinVar variation 598933 (VCV000598933.5), dbSNP rs1569124017, ClinGen allele CA411939485.
Genomic context (GRCh38, chr22:46,386,401, plus strand): 5'-AGCTCTGGGGCACACCCCTGATGGTAGCAGGGTTCCACCCCCAACGCAGCCAGCGCCTTA[C>T]TCATGTTGGCGGTGACGATGACGAAGGGCCGCAGGTACGTCCGCCGCACGTTGCGTGCCA-3'